The following is an entry in ClinVar:

NM_012123.4(MTO1):c.1137T>C (p.Gly379=)

Gene: MTO1 (mitochondrial tRNA translation optimization 1; plus strand). Cytogenetic location: 6q13.
Variant type: single nucleotide variant.
Coding change: c.1137T>C on transcript NM_012123.4 (MANE Select); coding-DNA position 1137, T replaced by C.
Protein change: p.Gly379=; no amino-acid change (glycine 379 retained).
Molecular consequence: synonymous variant.
Genome position (GRCh38, 1-based): chr6:73,480,682, T>C. VCF-style: chr6-73480682-T-C. GRCh37 (hg19) VCF-style: chr6-74190405-T-C.
Other names: c.1137T>C, p.Gly379= (NM_001123226.2); c.1212T>C, p.Gly404= (NM_133645.3).
Identifiers: ClinVar variation 1135618 (VCV001135618.44), dbSNP rs141477592, ClinGen allele CA3889552.

ClinVar aggregate classification (germline): Likely benign. Review status: criteria provided, multiple submitters, no conflicts (2 of 4 stars). 2 submissions from 2 submitters: Likely benign (2). Last evaluated 2025-12-09.

Conditions:
Mitochondrial hypertrophic cardiomyopathy with lactic acidosis due to MTO1 deficiency. Also called: CARDIOMYOPATHY, INFANTILE HYPERTROPHIC MITOCHONDRIAL, AND LACTIC ACIDOSIS; Combined oxidative phosphorylation deficiency 10. Identifiers: Orphanet 314637, MedGen C4749921, MONDO:0013865, OMIM 614702.

Allele frequency attached by ClinVar (database versions not stated): ESP Exome Variant Server 0.00038; ExAC 0.00008; gnomAD exomes 0.00009; TOPMed 0.00015; 1000 Genomes Project 30x 0.00016; gnomAD 0.00016; 1000 Genomes Project 0.00020.
gnomAD v4.1: 243 of 1,613,914 alleles (0.015%); highest among the groups gnomAD compares: Non-Finnish European, 0.02%; 1 homozygote.

Submissions (2):

Labcorp Genetics (formerly Invitae), Labcorp
Classification: Likely benign for Mitochondrial hypertrophic cardiomyopathy with lactic acidosis due to MTO1 deficiency. Last evaluated: 2025-12-09. Review status: criteria provided, single submitter. Criteria: Invitae Variant Classification Sherloc (09022015). Collection method: clinical testing. Allele origin: germline.

CeGaT Center for Human Genetics Tuebingen
Classification: Likely benign. Last evaluated: 2024-07-01. Review status: criteria provided, single submitter. Criteria: CeGaT Center For Human Genetics Tuebingen Variant Classification Criteria Version 2. Collection method: clinical testing. Allele origin: germline. Affected: yes. Observed: 2 variant alleles.
Comment: MTO1: BP4, BP7